The following is an entry in ClinVar:

NM_001365951.3(KIF1B):c.1913A>C (p.Glu638Ala)

Gene: KIF1B (kinesin family member 1B; plus strand). Cytogenetic location: 1p36.22.
Variant type: single nucleotide variant.
Coding change: c.1913A>C on transcript NM_001365951.3 (MANE Select); coding-DNA position 1913, A replaced by C.
Protein change: p.Glu638Ala; replaces glutamic acid 638 with alanine.
Molecular consequence: missense variant.
Genome position (GRCh38, 1-based): chr1:10,296,948, A>C. VCF-style: chr1-10296948-A-C. GRCh37 (hg19) VCF-style: chr1-10357006-A-C.
Other names: c.1913A>C, p.Glu638Ala (NM_001365952.1); c.1775A>C, p.Glu592Ala (NM_001365953.1, NM_015074.3, NM_183416.4); short protein forms E592A, E638A.
Identifiers: ClinVar variation 1779856 (VCV001779856.4), dbSNP rs1650296522, ClinGen allele CA338316749.

ClinVar aggregate classification (germline): Uncertain significance (1 of 4 stars; one submission).

Allele frequency attached by ClinVar (database versions not stated): gnomAD exomes below 0.00001; gnomAD 0.00001; TOPMed 0.00001.
gnomAD v4.1: 3 of 1,613,968 alleles (0.00019%); highest among the groups gnomAD compares: African/African-American, 0.0027%; no homozygotes.

Submission:

Ambry Genetics
Classification: Uncertain significance. Last evaluated: 2025-08-05. Review status: criteria provided, single submitter. Criteria: Ambry Variant Classification Scheme 2023. Collection method: clinical testing. Allele origin: germline.
Comment: The p.E592A variant (also known as c.1775A>C), located in coding exon 18 of the KIF1B gene, results from an A to C substitution at nucleotide position 1775. The glutamic acid at codon 592 is replaced by alanine, an amino acid with dissimilar properties. This amino acid position is highly conserved in available vertebrate species. In addition, the in silico prediction for this alteration is inconclusive. Since supporting evidence is limited at this time, the clinical significance of this alteration remains unclear.